The following is an entry in ClinVar:

NM_004736.4(XPR1):c.1022T>C (p.Val341Ala)

Gene: XPR1 (xenotropic and polytropic retrovirus receptor 1; plus strand). Cytogenetic location: 1q25.3.
Variant type: single nucleotide variant.
Coding change: c.1022T>C on transcript NM_004736.4 (MANE Select); coding-DNA position 1022, T replaced by C.
Protein change: p.Val341Ala; replaces valine 341 with alanine.
Molecular consequence: missense variant. On other transcripts: non-coding transcript variant (1).
Genome position (GRCh38, 1-based): chr1:180,825,232, T>C. VCF-style: chr1-180825232-T-C. GRCh37 (hg19) VCF-style: chr1-180794368-T-C.
Other names: c.1022T>C, p.Val341Ala (NM_001135669.2, NM_001328662.2); short protein forms V341A.
Identifiers: ClinVar variation 4742394 (VCV004742394.1).
Genomic context (GRCh38, chr1:180,825,232, plus strand): 5'-GATTCCTCGGGATATTGTGGTGCCTGAGCCTTCTGGCATGCTTCTTTGCTCCAATTAGTG[T>C]CATCCCCACATATGTGTATCCACTTGCCCTTTATGGATTTATGGTTTTCTTCCTTATCAA-3'
Protein context (NP_004727.2, residues 331-351): LLACFFAPIS[Val341Ala]IPTYVYPLAL

ClinVar aggregate classification (germline): Uncertain significance (1 of 4 stars; one submission).

Submission:

Labcorp Genetics (formerly Invitae), Labcorp
Classification: Uncertain significance. Last evaluated: 2025-11-08. Review status: criteria provided, single submitter. Criteria: Invitae Variant Classification Sherloc (09022015). Collection method: clinical testing. Allele origin: germline.
Comment: This sequence change replaces valine, which is neutral and non-polar, with alanine, which is neutral and non-polar, at codon 341 of the XPR1 protein (p.Val341Ala). This variant is not present in population databases (gnomAD no frequency). This variant has not been reported in the literature in individuals affected with XPR1-related conditions. Invitae Evidence Modeling of protein sequence and biophysical properties (such as structural, functional, and spatial information, amino acid conservation, physicochemical variation, residue mobility, and thermodynamic stability) indicates that this missense variant is not expected to disrupt XPR1 protein function with a negative predictive value of 80%. In summary, the available evidence is currently insufficient to determine the role of this variant in disease. Therefore, it has been classified as a Variant of Uncertain Significance.